The following is an entry in ClinVar:

NM_025150.5(TARS2):c.1580A>C (p.Asp527Ala)

Gene: TARS2 (threonyl-tRNA synthetase 2, mitochondrial; plus strand). Cytogenetic location: 1q21.2.
Variant type: single nucleotide variant.
Coding change: c.1580A>C on transcript NM_025150.5 (MANE Select); coding-DNA position 1580, A replaced by C.
Protein change: p.Asp527Ala; replaces aspartic acid 527 with alanine.
Molecular consequence: missense variant. On other transcripts: non-coding transcript variant (2).
Genome position (GRCh38, 1-based): chr1:150,499,256, A>C. VCF-style: chr1-150499256-A-C. GRCh37 (hg19) VCF-style: chr1-150471732-A-C.
Other names: c.1334A>C, p.Asp445Ala (NM_001271895.2); c.1190A>C, p.Asp397Ala (NM_001271896.2); c.1580A>C (NM_025150.3); short protein forms D527A, D397A, D445A.
Identifiers: ClinVar variation 1939805 (VCV001939805.6), dbSNP rs1176122613, ClinGen allele CA342329095.

ClinVar aggregate classification (germline): Uncertain significance. Review status: criteria provided, multiple submitters, no conflicts (2 of 4 stars). 2 submissions from 2 submitters: Uncertain significance (2). Last evaluated 2023-10-26.

Conditions:
Inborn genetic diseases. Identifiers: MedGen C0950123, MeSH D030342.

Submissions (2):

Ambry Genetics
Classification: Uncertain significance for Inborn genetic diseases. Last evaluated: 2023-10-26. Review status: criteria provided, single submitter. Criteria: Ambry Variant Classification Scheme 2023. Collection method: clinical testing. Allele origin: germline.

Labcorp Genetics (formerly Invitae), Labcorp
Classification: Uncertain significance. Last evaluated: 2022-04-13. Review status: criteria provided, single submitter. Criteria: Invitae Variant Classification Sherloc (09022015). Collection method: clinical testing. Allele origin: germline.
Comment: In summary, the available evidence is currently insufficient to determine the role of this variant in disease. Therefore, it has been classified as a Variant of Uncertain Significance. Algorithms developed to predict the effect of missense changes on protein structure and function (SIFT, PolyPhen-2, Align-GVGD) all suggest that this variant is likely to be tolerated. This variant has not been reported in the literature in individuals affected with TARS2-related conditions. This variant is not present in population databases (gnomAD no frequency). This sequence change replaces aspartic acid, which is acidic and polar, with alanine, which is neutral and non-polar, at codon 527 of the TARS2 protein (p.Asp527Ala).